The following is an entry in ClinVar:

ClinVar aggregate classification (germline): Conflicting classifications of pathogenicity. Review status: criteria provided, conflicting classifications (1 of 4 stars). 3 submissions from 3 submitters: Uncertain significance (1); Benign (2). Last evaluated 2026-07-01.

Conditions:
Retinitis pigmentosa (RP). Identifiers: Orphanet 791, MedGen C0035334, MeSH D012174, MONDO:0019200, OMIM 268000. Inheritance: Autosomal dominant, autosomal recessive and X linked inheritance.

Allele frequency attached by ClinVar (database versions not stated): gnomAD exomes 0.00130 and 0.00272; ESP Exome Variant Server 0.00188; gnomAD 0.00287 and 0.00314; TOPMed 0.00298; ExAC 0.00316; 1000 Genomes Project 30x 0.00671; 1000 Genomes Project 0.00699.
gnomAD v4.1: 2,439 of 1,613,800 alleles (0.15%); highest among the groups gnomAD compares: South Asian, 1.5%; 37 homozygotes.

Submissions (3):

CeGaT Center for Human Genetics Tuebingen
Classification: Benign. Last evaluated: 2026-07-01. Review status: criteria provided, single submitter. Criteria: CeGaT Center For Human Genetics Tuebingen Variant Classification Criteria Version 2. Collection method: clinical testing. Allele origin: germline. Affected: yes. Observed: 2 variant alleles.
Comment: PCARE: BP4, BS1, BS2

Labcorp Genetics (formerly Invitae), Labcorp
Classification: Benign. Last evaluated: 2026-01-12. Review status: criteria provided, single submitter. Criteria: Invitae Variant Classification Sherloc (09022015). Collection method: clinical testing. Allele origin: germline.

Illumina Laboratory Services, Illumina
Classification: Uncertain significance for Retinitis pigmentosa. Last evaluated: 2018-01-13. Review status: criteria provided, single submitter. Criteria: ICSL Variant Classification Criteria 13 December 2019. Collection method: clinical testing. Allele origin: germline.

NM_001029883.3(PCARE):c.3395A>C (p.Glu1132Ala)

Gene: PCARE (photoreceptor cilium actin regulator; minus strand). Cytogenetic location: 2p23.2.
Variant type: single nucleotide variant.
Coding change: c.3395A>C on transcript NM_001029883.3 (MANE Select); coding-DNA position 3395, A replaced by C.
Protein change: p.Glu1132Ala; replaces glutamic acid 1132 with alanine.
Molecular consequence: missense variant.
Genome position (GRCh38, 1-based): chr2:29,070,867, T>G on the plus strand (A>C on the coding strand, the complement: PCARE is on the minus strand). VCF-style: chr2-29070867-T-G. GRCh37 (hg19) VCF-style: chr2-29293733-T-G.
Other names: short protein forms E1132A.
Identifiers: ClinVar variation 772843 (VCV000772843.16), dbSNP rs78874550, ClinGen allele CA1591948.